The following is an entry in ClinVar:

NM_001379286.1(ZNF423):c.1877A>G (p.Gln626Arg)

Gene: ZNF423 (zinc finger protein 423; minus strand). Cytogenetic location: 16q12.1.
Variant type: single nucleotide variant.
Coding change: c.1877A>G on transcript NM_001379286.1 (MANE Select); coding-DNA position 1877, A replaced by G.
Protein change: p.Gln626Arg; replaces glutamine 626 with arginine.
Molecular consequence: missense variant.
Genome position (GRCh38, 1-based): chr16:49,637,299, T>C on the plus strand (A>G on the coding strand, the complement: ZNF423 is on the minus strand). VCF-style: chr16-49637299-T-C. GRCh37 (hg19) VCF-style: chr16-49671210-T-C.
Other names: c.1673A>G, p.Gln558Arg (NM_001271620.2); c.1502A>G, p.Gln501Arg (NM_001330533.2); c.1853A>G, p.Gln618Arg (NM_015069.5); short protein forms Q501R, Q618R, Q626R, Q558R.
Identifiers: ClinVar variation 2129680 (VCV002129680.4), dbSNP rs2507001445, ClinGen allele CA395845871.

ClinVar aggregate classification (germline): Uncertain significance (1 of 4 stars; one submission).

Conditions:
Nephronophthisis 14 (NPHP14). Identifiers: Orphanet 2318, MedGen C3539071, MONDO:0013916, OMIM 614844.

Submission:

Labcorp Genetics (formerly Invitae), Labcorp
Classification: Uncertain significance for Nephronophthisis 14. Last evaluated: 2022-04-23. Review status: criteria provided, single submitter. Criteria: Invitae Variant Classification Sherloc (09022015). Collection method: clinical testing. Allele origin: germline.
Comment: In summary, the available evidence is currently insufficient to determine the role of this variant in disease. Therefore, it has been classified as a Variant of Uncertain Significance. Algorithms developed to predict the effect of missense changes on protein structure and function (SIFT, PolyPhen-2, Align-GVGD) all suggest that this variant is likely to be tolerated. This variant has not been reported in the literature in individuals affected with ZNF423-related conditions. This variant is not present in population databases (gnomAD no frequency). This sequence change replaces glutamine, which is neutral and polar, with arginine, which is basic and polar, at codon 618 of the ZNF423 protein (p.Gln618Arg).